The following is an entry in ClinVar:

ClinVar aggregate classification (germline): Uncertain significance (1 of 4 stars; one submission).

Submission:

GeneDx
Classification: Uncertain significance. Last evaluated: 2023-12-18. Review status: criteria provided, single submitter. Criteria: GeneDx Variant Classification Process June 2021. Collection method: clinical testing. Allele origin: germline. Affected: yes.
Comment: Not observed at significant frequency in large population cohorts (gnomAD); In silico analysis supports that this missense variant has a deleterious effect on protein structure/function; Has not been previously published as pathogenic or benign to our knowledge

NM_001961.4(EEF2):c.647C>T (p.Ser216Phe)

Gene: EEF2 (eukaryotic translation elongation factor 2; minus strand). Cytogenetic location: 19p13.3.
Variant type: single nucleotide variant.
Coding change: c.647C>T on transcript NM_001961.4 (MANE Select); coding-DNA position 647, C replaced by T.
Protein change: p.Ser216Phe; replaces serine 216 with phenylalanine.
Molecular consequence: missense variant.
Genome position (GRCh38, 1-based): chr19:3,982,390, G>A on the plus strand (C>T on the coding strand, the complement: EEF2 is on the minus strand). VCF-style: chr19-3982390-G-A. GRCh37 (hg19) VCF-style: chr19-3982388-G-A.
Other names: short protein forms S216F.
Identifiers: ClinVar variation 3365415 (VCV003365415.1).